The following is an entry in ClinVar:

ClinVar aggregate classification (germline): Likely benign. Review status: criteria provided, multiple submitters, no conflicts (2 of 4 stars). 5 submissions from 5 submitters: Likely benign (3). 2 of the submissions do not count toward it. Last evaluated 2026-01-26.

Conditions:
Niemann-Pick disease, type C1. Also called: NEUROVISCERAL STORAGE DISEASE WITH VERTICAL SUPRANUCLEAR OPHTHALMOPLEGIA; NIEMANN-PICK DISEASE WITH CHOLESTEROL ESTERIFICATION BLOCK; NIEMANN-PICK DISEASE WITHOUT SPHINGOMYELINASE DEFICIENCY; NIEMANN-PICK DISEASE, CHRONIC NEURONOPATHIC FORM; NIEMANN-PICK DISEASE, VARIANT TYPE C1. Identifiers: Orphanet 646, MedGen C3179455, MONDO:0009757, OMIM 257220.

Allele frequency attached by ClinVar (database versions not stated): ExAC 0.00065; gnomAD 0.00074; 1000 Genomes Project 30x 0.00078; gnomAD exomes 0.00095; ESP Exome Variant Server 0.00184.

Submissions (5):

Labcorp Genetics (formerly Invitae), Labcorp
Classification: Likely benign for Niemann-Pick disease, type C1. Last evaluated: 2026-01-26. Review status: criteria provided, single submitter. Criteria: Invitae Variant Classification Sherloc (09022015). Collection method: clinical testing. Allele origin: germline.

Mayo Clinic Laboratories, Mayo Clinic
Classification: Likely benign. Last evaluated: 2025-10-02. Review status: criteria provided, single submitter. Criteria: ACMG Guidelines, 2015. Collection method: clinical testing. Allele origin: germline. Observed: 1 variant allele.
Comment: BP4, BP7

Blueprint Genetics
Classification: Likely benign. Last evaluated: 2024-11-19. Review status: criteria provided, single submitter. Criteria: ACMG Guidelines, 2015. Collection method: clinical testing. Allele origin: germline.

Genome Diagnostics Laboratory, Amsterdam University Medical Center
Classification: Likely benign for Niemann-Pick disease, type C1. Last evaluated: 2016-10-14. Review status: no assertion criteria provided. Criteria: ACGS Guidelines, 2013. Collection method: clinical testing. Allele origin: germline. Affected: yes. Study: VKGL Data-share Consensus. Not counted in ClinVar's aggregate classification.

Diagnostic Laboratory, Department of Genetics, University Medical Center Groningen
Classification: Likely benign for Niemann-Pick disease, type C1. Review status: no assertion criteria provided. Collection method: clinical testing. Allele origin: germline. Affected: yes. Study: VKGL Data-share Consensus. Not counted in ClinVar's aggregate classification.

NM_000271.5(NPC1):c.2604+14_2604+16del

Gene: NPC1 (NPC intracellular cholesterol transporter 1; minus strand). Cytogenetic location: 18q11.2.
Variant type: Deletion.
Coding change: c.2604+14_2604+16del on transcript NM_000271.5 (MANE Select); bases 14 to 16 of the intron after coding-DNA position 2604, 3 bases deleted (CTT; older notation c.2604+14_2604+16delCTT).
Molecular consequence: intron variant.
Genome position (GRCh38, 1-based): chr18:23,540,432-23,540,434, AAG deleted on the plus strand (CTT on the coding strand, the reverse complement: NPC1 is on the minus strand). VCF-style (leftmost placement, unchanged base first): chr18-23540431-AAAG-A. GRCh37 (hg19) VCF-style: chr18-21120395-AAAG-A.
Other names: p.?.
Identifiers: ClinVar variation 518275 (VCV000518275.13), dbSNP rs747422358, ClinGen allele CA8913041.